The following is an entry in ClinVar:

ClinVar aggregate classification (germline): Benign/Likely benign. Review status: criteria provided, multiple submitters, no conflicts (2 of 4 stars). 2 submissions from 2 submitters: Benign (1); Likely benign (1). Last evaluated 2026-10-01.

Allele frequency attached by ClinVar (database versions not stated): TOPMed 0.00002; gnomAD 0.00007; gnomAD exomes 0.00011; 1000 Genomes Project 0.00020; 1000 Genomes Project 30x 0.00031; ExAC 0.00031.
gnomAD v4.1: 163 of 1,614,018 alleles (0.01%); highest among the groups gnomAD compares: South Asian, 0.17%; 1 homozygote.

Submissions (2):

CeGaT Center for Human Genetics Tuebingen
Classification: Likely benign. Last evaluated: 2026-10-01. Review status: criteria provided, single submitter. Criteria: CeGaT Center For Human Genetics Tuebingen Variant Classification Criteria Version 2. Collection method: clinical testing. Allele origin: germline. Affected: yes. Observed: 1 variant allele.
Comment: TTBK2: BP4, BP7

Labcorp Genetics (formerly Invitae), Labcorp
Classification: Benign. Last evaluated: 2023-04-03. Review status: criteria provided, single submitter. Criteria: Invitae Variant Classification Sherloc (09022015). Collection method: clinical testing. Allele origin: germline.

NM_173500.4(TTBK2):c.3687T>C (p.Thr1229=)

Gene: TTBK2 (tau tubulin kinase 2; minus strand). Cytogenetic location: 15q15.2.
Variant type: single nucleotide variant.
Coding change: c.3687T>C on transcript NM_173500.4 (MANE Select); coding-DNA position 3687, T replaced by C.
Protein change: p.Thr1229=; no amino-acid change (threonine 1229 retained).
Molecular consequence: synonymous variant.
Genome position (GRCh38, 1-based): chr15:42,745,843, A>G on the plus strand (T>C on the coding strand, the complement: TTBK2 is on the minus strand). VCF-style: chr15-42745843-A-G. GRCh37 (hg19) VCF-style: chr15-43038041-A-G.
Identifiers: ClinVar variation 2156589 (VCV002156589.5), dbSNP rs530117994, ClinGen allele CA7516524.